The following is an entry in ClinVar:

ClinVar aggregate classification (germline): Uncertain significance (1 of 4 stars; one submission).

gnomAD v4.1: 1 of 1,602,060 alleles (0.000062%); highest among the groups gnomAD compares: Non-Finnish European, 0.000085%; no homozygotes.

Submission:

Greenwood Genetic Center Diagnostic Laboratories, Greenwood Genetic Center
Classification: Uncertain significance. Last evaluated: 2024-10-24. Review status: criteria provided, single submitter. Criteria: ACMG Guidelines, 2015. Collection method: clinical testing. Allele origin: germline. Affected: yes.
Comment: PM2, BP4

NM_001379291.1(BRD4):c.3904G>T (p.Ala1302Ser)

Gene: BRD4 (bromodomain containing 4; minus strand). Cytogenetic location: 19p13.12.
Variant type: single nucleotide variant.
Coding change: c.3904G>T on transcript NM_001379291.1 (MANE Select); coding-DNA position 3904, G replaced by T.
Protein change: p.Ala1302Ser; replaces alanine 1302 with serine.
Molecular consequence: missense variant.
Genome position (GRCh38, 1-based): chr19:15,238,859, C>A on the plus strand (G>T on the coding strand, the complement: BRD4 is on the minus strand). VCF-style: chr19-15238859-C-A. GRCh37 (hg19) VCF-style: chr19-15349670-C-A.
Other names: c.3904G>T, p.Ala1302Ser (NM_058243.3); short protein forms A1302S.
Identifiers: ClinVar variation 3765724 (VCV003765724.1).